The following is an entry in ClinVar:

NM_005343.4(HRAS):c.440_450+16del

Genes: LRRC56 (leucine rich repeat containing 56; plus strand), HRAS (HRas proto-oncogene, GTPase; minus strand). Cytogenetic location: 11p15.5.
Variant type: Deletion.
Coding change: c.440_450+16del on transcript NM_005343.4 (MANE Select); coding-DNA position 440 through 16 bases into the intron after coding-DNA position 450, 27 bases deleted (AGACCCGGCAGGTGAGGCAGCTCTCCA).
Molecular consequence: splice donor variant.
Genome position (GRCh38, 1-based): chr11:533,437-533,463, TGGAGAGCTGCCTCACCTGCCGGGTCT deleted on the plus strand (AGACCCGGCAGGTGAGGCAGCTCTCCA on the coding strand, the reverse complement: HRAS is on the minus strand); deleting any 27 consecutive bases within chr11:533,437-533,466 gives the same sequence; the c. name uses the placement nearest the transcript's 3' end. VCF-style (leftmost placement, unchanged base first): chr11-533436-GTGGAGAGCTGCCTCACCTGCCGGGTCT-G. GRCh37 (hg19) VCF-style: chr11-533436-GTGGAGAGCTGCCTCACCTGCCGGGTCT-G.
Other names: c.440_450+16del (NM_001130442.3, NM_176795.5); c.121_131+16del (NM_001318054.2).
Identifiers: ClinVar variation 2853311 (VCV002853311.3), dbSNP rs2539790933, ClinGen allele CA2739276055.

ClinVar aggregate classification (germline): Uncertain significance (1 of 4 stars; one submission).

Conditions:
Costello syndrome (CSTLO). Also called: FACIOCUTANEOSKELETAL SYNDROME; FCS SYNDROME; HRAS-Related Costello Syndrome. Identifiers: Orphanet 3071, MedGen C0587248, MONDO:0009026, OMIM 218040.

Submission:

Labcorp Genetics (formerly Invitae), Labcorp
Classification: Uncertain significance for Costello syndrome. Last evaluated: 2023-04-07. Review status: criteria provided, single submitter. Criteria: Invitae Variant Classification Sherloc (09022015). Collection method: clinical testing. Allele origin: germline.
Comment: In summary, the available evidence is currently insufficient to determine the role of this variant in disease. Therefore, it has been classified as a Variant of Uncertain Significance. Variants that disrupt the consensus splice site are a relatively common cause of aberrant splicing (PMID: 17576681, 9536098). Algorithms developed to predict the effect of sequence changes on RNA splicing suggest that this variant may disrupt the consensus splice site. This variant has not been reported in the literature in individuals affected with HRAS-related conditions. This variant is not present in population databases (gnomAD no frequency). This variant results in the deletion of part of exon 4 (c.440_450+16del) of the HRAS gene. It affects a nucleotide within the consensus splice site.

Literature cited by the submitters: PubMed 17576681; PubMed 9536098.